The following is an entry in ClinVar:

ClinVar aggregate classification (germline): Uncertain significance (1 of 4 stars; one submission).

Conditions:
Cutis laxa, X-linked (OHS). Also called: EDS IX; Occipital horn syndrome. Identifiers: Orphanet 198, MedGen C0268353, MONDO:0010572, OMIM 304150.

Submission:

Centre for Mendelian Genomics, University Medical Centre Ljubljana
Classification: Uncertain significance for Cutis laxa, X-linked. Last evaluated: 2018-10-29. Review status: criteria provided, single submitter. Criteria: ACMG Guidelines, 2015. Collection method: clinical testing. Allele origin: unknown. Affected: yes.
Comment: This variant was classified as: Uncertain significance. The available evidence on this variant's pathogenicity is insufficient or conflicting. The following ACMG criteria were applied in classifying this variant: PM2. This variant was detected in hemizygous state.

NM_000052.7(ATP7A):c.4469dup (p.Asp1491fs)

Gene: ATP7A (ATPase copper transporting alpha; plus strand). Cytogenetic location: Xq21.1.
Variant type: Duplication.
Coding change: c.4469dup on transcript NM_000052.7 (MANE Select); coding-DNA position 4469, one base duplicated (G; older notation c.4469dupG).
Protein change: p.Asp1491fs; shifts the reading frame from aspartic acid 1491.
Molecular consequence: frameshift variant. On other transcripts: non-coding transcript variant (1).
Genome position (GRCh38, 1-based): chrX:78,046,536, G duplicated; the last of 3 consecutive G bases (chrX:78,046,534-78,046,536); duplicating any one gives the same sequence. VCF-style (leftmost placement, unchanged base first): chrX-78046533-T-TG. GRCh37 (hg19) VCF-style: chrX-77302030-T-TG.
Other names: c.4235dup, p.Asp1413fs (NM_001282224.2); short protein forms D1491fs, D1413fs.
Identifiers: ClinVar variation 930933 (VCV000930933.3), dbSNP rs2078084722, ClinGen allele CA1139667665.
Genomic context (GRCh38, chrX:78,046,533, plus strand): 5'-CTGATAAACGCTCCCTAAACAGTGTTGTTACCAGTGAACCTGACAAGCACTCACTCCTGG[T>TG]GGGAGACTTCAGGGAAGATGATGACACTGCATTATAAAAGGCCATGGAGAGTGCTGCCAG-3'